The following is an entry in ClinVar:

ClinVar aggregate classification (germline): Uncertain significance (1 of 4 stars; one submission).

Conditions:
Mucopolysaccharidosis, MPS-III-A (MPS3A). Also called: Mucopolysaccharidosis, type IIIA; mucopolysaccharidosis type 3A; MPS IIIA (Sanfilippo Syndrome Type A); HEPARAN SULFATE SULFATASE DEFICIENCY; Mucopolysaccharidosis type IIIA (Sanfilippo A); SANFILIPPO SYNDROME A. Identifiers: Orphanet 581, Orphanet 79269, MedGen C0086647, MONDO:0009655, OMIM 252900.

Submission:

Labcorp Genetics (formerly Invitae), Labcorp
Classification: Uncertain significance for Mucopolysaccharidosis, MPS-III-A. Last evaluated: 2023-12-06. Review status: criteria provided, single submitter. Criteria: Invitae Variant Classification Sherloc (09022015). Collection method: clinical testing. Allele origin: germline.
Comment: This sequence change replaces isoleucine, which is neutral and non-polar, with methionine, which is neutral and non-polar, at codon 276 of the SGSH protein (p.Ile276Met). This variant is not present in population databases (gnomAD no frequency). This variant has not been reported in the literature in individuals affected with SGSH-related conditions. ClinVar contains an entry for this variant (Variation ID: 1375308). Advanced modeling of protein sequence and biophysical properties (such as structural, functional, and spatial information, amino acid conservation, physicochemical variation, residue mobility, and thermodynamic stability) has been performed at Invitae for this missense variant, however the output from this modeling did not meet the statistical confidence thresholds required to predict the impact of this variant on SGSH protein function. In summary, the available evidence is currently insufficient to determine the role of this variant in disease. Therefore, it has been classified as a Variant of Uncertain Significance.

NM_000199.5(SGSH):c.828C>G (p.Ile276Met)

Gene: SGSH (N-sulfoglucosamine sulfohydrolase; minus strand). Cytogenetic location: 17q25.3.
Variant type: single nucleotide variant.
Coding change: c.828C>G on transcript NM_000199.5 (MANE Select); coding-DNA position 828, C replaced by G.
Protein change: p.Ile276Met; replaces isoleucine 276 with methionine.
Molecular consequence: missense variant. On other transcripts: non-coding transcript variant (1).
Genome position (GRCh38, 1-based): chr17:80,212,192, G>C on the plus strand (C>G on the coding strand, the complement: SGSH is on the minus strand). VCF-style: chr17-80212192-G-C. GRCh37 (hg19) VCF-style: chr17-78185991-G-C.
Other names: c.828C>G, p.Ile276Met (NM_001352921.3, NM_001352922.2); short protein forms I276M.
Identifiers: ClinVar variation 1375308 (VCV001375308.6), dbSNP rs2041694208, ClinGen allele CA401359898.